The following is an entry in ClinVar:

ClinVar aggregate classification (germline): Likely pathogenic. Review status: criteria provided, multiple submitters, no conflicts (2 of 4 stars). 2 submissions from 2 submitters: Likely pathogenic (2). Last evaluated 2026-03-12.

Conditions:
Autosomal recessive limb-girdle muscular dystrophy type 2J (LGMDR10). Also called: Limb-girdle muscular dystrophy, type 2J; MUSCULAR DYSTROPHY, LIMB-GIRDLE, AUTOSOMAL RECESSIVE 10. Identifiers: Orphanet 140922, MedGen C1837342, MONDO:0012127, OMIM 608807.
Dilated cardiomyopathy 1G (CMD1G). Identifiers: Orphanet 154, MedGen C1858763, MONDO:0011400, OMIM 604145.

gnomAD v4.1: 1 of 1,596,300 alleles (0.000063%); highest among the groups gnomAD compares: Non-Finnish European, 0.000085%; no homozygotes.

Submissions (2):

GeneDx
Classification: Likely pathogenic. Last evaluated: 2026-03-12. Review status: criteria provided, single submitter. Criteria: GeneDx Variant Classification Process June 2021. Collection method: clinical testing. Allele origin: germline.
Comment: Canonical splice site variant predicted to result in an in-frame loss of the adjacent exon in a gene for which loss of function is a known mechanism of disease; Not observed at significant frequency in large population cohorts (gnomAD); Has not been previously published as pathogenic or benign to our knowledge; Located in a region of TTN in which the majority of pathogenic variants have been reported in association with autosomal recessive skeletal myopathies (PMID: 28040389, 29575618, 31660661, 32778822); This variant is associated with the following publications: (PMID: 28040389, 29575618, 31660661, 32778822)

Labcorp Genetics (formerly Invitae), Labcorp
Classification: Likely pathogenic for Dilated cardiomyopathy 1G; Autosomal recessive limb-girdle muscular dystrophy type 2J. Last evaluated: 2024-01-29. Review status: criteria provided, single submitter. Criteria: Invitae Variant Classification Sherloc (09022015). Collection method: clinical testing. Allele origin: germline.
Comment: This sequence change affects an acceptor splice site in intron 160 of the TTN gene. It is expected to disrupt RNA splicing and likely results in a truncated or disrupted TTN protein. This variant is not present in population databases (gnomAD no frequency). This variant has not been reported in the literature in individuals affected with TTN-related conditions. ClinVar contains an entry for this variant (Variation ID: 1409263). Algorithms developed to predict the effect of sequence changes on RNA splicing suggest that this variant may disrupt the consensus splice site. This variant is located in the I band of TTN (PMID: 25589632). Truncating variants in this region have been reported in individuals affected with autosomal recessive centronuclear myopathy (PMID: 23975875, Invitae internal data). Truncating variants in this region have also been identified in individuals affected with autosomal dominant dilated cardiomyopathy and/or cardio-related conditions (PMID: 27869827, 32964742, Invitae internal data). In summary, the currently available evidence indicates that the variant is pathogenic, but additional data are needed to prove that conclusively. Therefore, this variant has been classified as Likely Pathogenic.

Literature cited by the submitters: PubMed 25589632 (cited by Labcorp Genetics (formerly Invitae), Labcorp); PubMed 23975875 (cited by Labcorp Genetics (formerly Invitae), Labcorp); PubMed 27869827 (cited by Labcorp Genetics (formerly Invitae), Labcorp); PubMed 32964742 (cited by Labcorp Genetics (formerly Invitae), Labcorp).

NM_001267550.2(TTN):c.35630-1G>C

Gene: TTN (titin; minus strand). Cytogenetic location: 2q31.2.
Variant type: single nucleotide variant.
Coding change: c.35630-1G>C on transcript NM_001267550.2 (MANE Select); the canonical splice acceptor site of the intron before coding-DNA position 35630, G replaced by C.
Molecular consequence: splice acceptor variant. On other transcripts: intron variant (5).
Genome position (GRCh38, 1-based): chr2:178,667,526, C>G on the plus strand (G>C on the coding strand, the complement: TTN is on the minus strand). VCF-style: chr2-178667526-C-G. GRCh37 (hg19) VCF-style: chr2-179532253-C-G.
Other names: c.13283-25209G>C (NM_003319.4); c.13859-25209G>C (NM_133437.4); c.13658-25209G>C (NM_133432.3); c.31483+2692G>C (NM_133378.4); c.34264+2692G>C (NM_001256850.1).
Identifiers: ClinVar variation 1409263 (VCV001409263.9), dbSNP rs2154262004, ClinGen allele CA349509510.